The following is an entry in ClinVar:

ClinVar aggregate classification (germline): Uncertain significance (1 of 4 stars; one submission).

Conditions:
Hereditary pheochromocytoma and paraganglioma. Also called: Hereditary Paraganglioma-Pheochromocytoma Syndromes; Hereditary pheochromocytoma-paraganglioma; Hereditary paragangliomas and pheochromocytomas. Identifiers: Orphanet 29072, MedGen C4274332, MONDO:0017366.

gnomAD v4.1: 3 of 1,613,058 alleles (0.00019%); highest among the groups gnomAD compares: Non-Finnish European, 0.00025%; no homozygotes.

Submission:

All of Us Research Program, National Institutes of Health
Classification: Uncertain significance for Hereditary pheochromocytoma and paraganglioma. Last evaluated: 2024-02-22. Review status: criteria provided, single submitter. Criteria: ACMG Guidelines, 2015. Collection method: clinical testing. Allele origin: germline. Inheritance: Autosomal dominant inheritance. Observed: 1 variant allele, 1 heterozygote.
Comment: This variant causes a T to A nucleotide substitution at the -5 position of intron 6/7 of the SDHB gene. Splice site prediction tools are inconclusive regarding the impact of this variant on RNA splicing. To our knowledge, RNA studies have not been reported for this variant. This variant has not been reported in individuals affected with SDHB-related disorders in the literature. This variant has not been identified in the general population by the Genome Aggregation Database (gnomAD). The available evidence is insufficient to determine the role of this variant in disease conclusively. Therefore, this variant is classified as a Variant of Uncertain Significance.

This study involves interpretation of variants in research participants for the purpose of population health screening. Participant phenotype was not available at the time of variant classification. Additional details can be found in publication PMID: 35346344, PMCID: PMC8962531

NM_003000.3(SDHB):c.643-5T>A

Gene: SDHB (succinate dehydrogenase complex iron sulfur subunit B; minus strand). Cytogenetic location: 1p36.13.
Variant type: single nucleotide variant.
Coding change: c.643-5T>A on transcript NM_003000.3 (MANE Select); 5 bases into the intron before coding-DNA position 643, T replaced by A.
Molecular consequence: intron variant.
Genome position (GRCh38, 1-based): chr1:17,022,735, A>T on the plus strand (T>A on the coding strand, the complement: SDHB is on the minus strand). VCF-style: chr1-17022735-A-T. GRCh37 (hg19) VCF-style: chr1-17349230-A-T.
Other names: c.589-5T>A (NM_001407361.1).
Identifiers: ClinVar variation 3385986 (VCV003385986.1).